The following is an entry in ClinVar:

NM_001077365.2(POMT1):c.92T>A (p.Leu31Gln)

Gene: POMT1 (protein O-mannosyltransferase 1; plus strand). Cytogenetic location: 9q34.13.
Variant type: single nucleotide variant.
Coding change: c.92T>A on transcript NM_001077365.2 (MANE Select); coding-DNA position 92, T replaced by A.
Protein change: p.Leu31Gln; replaces leucine 31 with glutamine.
Molecular consequence: missense variant. On other transcripts: 5 prime UTR variant (4), non-coding transcript variant (4), intron variant (9).
Genome position (GRCh38, 1-based): chr9:131,504,310, T>A. VCF-style: chr9-131504310-T-A. GRCh37 (hg19) VCF-style: chr9-134379697-T-A.
Other names: c.92T>A, p.Leu31Gln (NM_001136113.2, NM_001353193.2, NM_001353196.2 and 2 more transcripts); c.-153T>A (NM_001353195.2); c.-380T>A (NM_001353198.2); c.-102T>A (NM_001374692.1); c.-60T>A (NM_001374695.1); c.-41+997T>A (NM_001353194.2); c.-72+997T>A (NM_001374691.1); c.-41+1237T>A (NM_001374689.1, NM_001353197.2, NM_001077366.2 and 1 more transcripts); and 2 more; short protein forms L31Q.
Identifiers: ClinVar variation 1505076 (VCV001505076.6), dbSNP rs2131555430, ClinGen allele CA375305281.

ClinVar aggregate classification (germline): Uncertain significance (1 of 4 stars; one submission).

Conditions:
Walker-Warburg congenital muscular dystrophy. Also called: Muscular dystrophy-dystroglycanopathy, type A; Walker-Warburg syndrome. Identifiers: Orphanet 899, MedGen C0265221, MONDO:0000171.
Autosomal recessive limb-girdle muscular dystrophy type 2K. Also called: MUSCULAR DYSTROPHY-DYSTROGLYCANOPATHY (LIMB-GIRDLE), TYPE C, 1; MUSCULAR DYSTROPHY, LIMB-GIRDLE, TYPE 2K. Identifiers: Orphanet 86812, MedGen C1836373, MONDO:0012248, OMIM 609308.
Muscular dystrophy-dystroglycanopathy (congenital with impaired intellectual development), type B, 1. Also called: Muscular dystrophy-dystroglycanopathy (congenital with intellectual disability), type B1; MUSCULAR DYSTROPHY, CONGENITAL, POMT1-RELATED. Identifiers: MedGen C5436962, MONDO:0013159, OMIM 613155.

Submission:

Labcorp Genetics (formerly Invitae), Labcorp
Classification: Uncertain significance for Muscular dystrophy-dystroglycanopathy (congenital with impaired intellectual development), type B, 1; Walker-Warburg congenital muscular dystrophy; Autosomal recessive limb-girdle muscular dystrophy type 2K. Last evaluated: 2021-09-14. Review status: criteria provided, single submitter. Criteria: Invitae Variant Classification Sherloc (09022015). Collection method: clinical testing. Allele origin: germline.
Comment: In summary, the available evidence is currently insufficient to determine the role of this variant in disease. Therefore, it has been classified as a Variant of Uncertain Significance. Algorithms developed to predict the effect of missense changes on protein structure and function are either unavailable or do not agree on the potential impact of this missense change (SIFT: "Deleterious"; PolyPhen-2: "Probably Damaging"; Align-GVGD: "Class C0"). This variant has not been reported in the literature in individuals affected with POMT1-related conditions. This variant is not present in population databases (ExAC no frequency). This sequence change replaces leucine with glutamine at codon 31 of the POMT1 protein (p.Leu31Gln). The leucine residue is moderately conserved and there is a moderate physicochemical difference between leucine and glutamine.